The following is an entry in ClinVar:

NM_182920.2(ADAMTS9):c.3169A>T (p.Lys1057Ter)

Gene: ADAMTS9 (ADAM metallopeptidase with thrombospondin type 1 motif 9; minus strand). Cytogenetic location: 3p14.1.
Variant type: single nucleotide variant.
Coding change: c.3169A>T on transcript NM_182920.2 (MANE Select); coding-DNA position 3169, A replaced by T.
Protein change: p.Lys1057Ter; replaces lysine 1057 with a stop codon.
Molecular consequence: nonsense.
Genome position (GRCh38, 1-based): chr3:64,615,341, T>A on the plus strand (A>T on the coding strand, the complement: ADAMTS9 is on the minus strand). VCF-style: chr3-64615341-T-A. GRCh37 (hg19) VCF-style: chr3-64601017-T-A.
Other names: c.3085A>T, p.Lys1029Ter (NM_001318781.2); short protein forms K1029*, K1057*.
Identifiers: ClinVar variation 4725159 (VCV004725159.1).

ClinVar aggregate classification (germline): Uncertain significance (1 of 4 stars; one submission).

Submission:

Labcorp Genetics (formerly Invitae), Labcorp
Classification: Uncertain significance. Last evaluated: 2025-10-02. Review status: criteria provided, single submitter. Criteria: Invitae Variant Classification Sherloc (09022015). Collection method: clinical testing. Allele origin: germline.
Comment: This sequence change creates a premature translational stop signal (p.Lys1057*) in the ADAMTS9 gene. It is expected to result in an absent or disrupted protein product. However, the current clinical and genetic evidence is not sufficient to establish whether loss-of-function variants in ADAMTS9 cause disease. This variant is not present in population databases (gnomAD no frequency). This variant has not been reported in the literature in individuals affected with ADAMTS9-related conditions. In summary, the available evidence is currently insufficient to determine the role of this variant in disease. Therefore, it has been classified as a Variant of Uncertain Significance.